The following is an entry in ClinVar:

NM_007294.4(BRCA1):c.2082C>G (p.Ser694Arg)

Gene: BRCA1 (BRCA1 DNA repair associated; minus strand). Cytogenetic location: 17q21.31.
Variant type: single nucleotide variant.
Coding change: c.2082C>G on transcript NM_007294.4 (MANE Select); coding-DNA position 2082, C replaced by G.
Protein change: p.Ser694Arg; replaces serine 694 with arginine.
Molecular consequence: missense variant. On other transcripts: intron variant (137).
Genome position (GRCh38, 1-based): chr17:43,093,449, G>C on the plus strand (C>G on the coding strand, the complement: BRCA1 is on the minus strand). VCF-style: chr17-43093449-G-C. GRCh37 (hg19) VCF-style: chr17-41245466-G-C.
Other names: c.1938C>G, p.Ser646Arg (NM_001407744.1, NM_001407745.1, NM_001407746.1 and 20 more transcripts); c.1941C>G, p.Ser647Arg (NM_001407750.1, NM_001407751.1, NM_001407752.1 and 29 more transcripts); c.1872C>G, p.Ser624Arg (NM_001407886.1, NM_001407887.1, NM_001407889.1 and 13 more transcripts); c.1869C>G, p.Ser623Arg (NM_001407894.1, NM_001407895.1, NM_001407896.1 and 9 more transcripts); c.646+1295C>G (NM_001408469.1, NM_001408453.1, NM_001408461.1 and 11 more transcripts); c.784+1295C>G (NM_001408397.1, NM_001408401.1, NM_001408400.1 and 13 more transcripts); c.664+1295C>G (NM_001408436.1, NM_001408428.1, NM_001408441.1 and 12 more transcripts); c.787+1295C>G (NM_001407980.1, NM_001407993.1, NM_001407976.1 and 19 more transcripts); and 40 more; short protein forms S398R, S526R, S566R, S567R, S582R, S583R, S605R, S606R.
Identifiers: ClinVar variation 3904754 (VCV003904754.1).
Genomic context (GRCh38, chr17:43,093,449, plus strand): 5'-ATTTGAACACTTAGTAAAAGAACCAGGTGCATTTGTTAACTTCAGCTCTGGGAAAGTATC[G>C]CTGTCATGTCTTTTACTTGTCTGTTCATTTGGCTTGTTACTCTTCTTGGCTCCAGTTGCA-3'
Protein context (NP_009225.1, residues 684-704): PNEQTSKRHD[Ser694Arg]DTFPELKLTN

ClinVar aggregate classification (germline): Likely benign (1 of 4 stars; one submission).

Conditions:
Breast-ovarian cancer, familial, susceptibility to, 1 (BROVCA1). Also called: BRCA1 Hereditary Breast and Ovarian Cancer; OVARIAN CANCER, SUSCEPTIBILITY TO. Identifiers: Orphanet 145, MedGen C2676676, MONDO:0011450, OMIM 604370. Disease mechanism: loss of function.

gnomAD v4.1: 1 of 1,613,780 alleles (0.000062%); highest among the groups gnomAD compares: East Asian, 0.0022%; no homozygotes.

Submission:

Myriad Genetics, Inc.
Classification: Likely benign for Breast-ovarian cancer, familial, susceptibility to, 1. Last evaluated: 2025-02-24. Review status: criteria provided, single submitter. Criteria: Myriad Autosomal Dominant, Autosomal Recessive and X-Linked Classification Criteria (2023). Collection method: clinical testing. Allele origin: unknown.
Comment: This variant is considered likely benign. This variant been observed in trans with a known pathogenic variant in one or more individuals. Compound heterozygosity for pathogenic variants in this gene is generally assumed to result in embryonic lethality.